The following is an entry in ClinVar:

ClinVar aggregate classification (germline): Benign/Likely benign. Review status: criteria provided, multiple submitters, no conflicts (2 of 4 stars). 2 submissions from 2 submitters: Benign (1); Likely benign (1). Last evaluated 2018-01-12.

Conditions:
Seizures, benign familial neonatal, 2. Also called: CONVULSIONS, BENIGN FAMILIAL NEONATAL, 2; KCNQ3-Related Self-Limited Familial Neonatal Epilepsy (SLFNE); Benign Neonatal Epilepsy 2; KCNQ3-Related Benign Familial Neonatal Epilepsy; Seizures, benign neonatal, 2. Identifiers: Orphanet 1949, MedGen C1852581, MONDO:0007366, OMIM 121201.

Allele frequency attached by ClinVar (database versions not stated): TOPMed 0.01988; 1000 Genomes Project 30x 0.01780; 1000 Genomes Project 0.01797; gnomAD 0.02440 and 0.02535.

Submissions (2):

Illumina Laboratory Services, Illumina
Classification: Benign for Seizures, benign familial neonatal, 2. Last evaluated: 2018-01-12. Review status: criteria provided, single submitter. Criteria: ICSL Variant Classification Criteria 13 December 2019. Collection method: clinical testing. Allele origin: germline.
Comment: This variant was observed in the ICSL laboratory as part of a predisposition screen in an ostensibly healthy population. It had not been previously curated by ICSL or reported in the Human Gene Mutation Database (HGMD: prior to June 1st, 2018), and was therefore a candidate for classification through an automated scoring system. Utilizing variant allele frequency, disease prevalence and penetrance estimates, and inheritance mode, an automated score was calculated to assess if this variant is too frequent to cause the disease. Based on the score and internal cut-off values, a variant classified as benign is not then subjected to further curation. The score for this variant resulted in a classification of benign for this disease.

Breakthrough Genomics
Classification: Likely benign. Review status: criteria provided, single submitter. Criteria: ACMG Guidelines, 2015. Collection method: not provided. Allele origin: germline. Inheritance: Autosomal dominant inheritance. Affected: yes.

NM_004519.4(KCNQ3):c.*2166A>G

Gene: KCNQ3 (potassium voltage-gated channel subfamily Q member 3; minus strand). Cytogenetic location: 8q24.22.
Variant type: single nucleotide variant.
Coding change: c.*2166A>G on transcript NM_004519.4 (MANE Select); 2166 bases downstream of the stop codon, A replaced by G.
Molecular consequence: 3 prime UTR variant.
Genome position (GRCh38, 1-based): chr8:132,127,096, T>C on the plus strand (A>G on the coding strand, the complement: KCNQ3 is on the minus strand). VCF-style: chr8-132127096-T-C. GRCh37 (hg19) VCF-style: chr8-133139343-T-C.
Other names: c.*2166A>G (NM_001204824.2).
Identifiers: ClinVar variation 361842 (VCV000361842.7), dbSNP rs35279095, ClinGen allele CA10624774.